The following is an entry in ClinVar:

NM_181882.3(PRX):c.625G>A (p.Ala209Thr)

Gene: PRX (periaxin; minus strand). Cytogenetic location: 19q13.2.
Variant type: single nucleotide variant.
Coding change: c.625G>A on transcript NM_181882.3 (MANE Select); coding-DNA position 625, G replaced by A.
Protein change: p.Ala209Thr; replaces alanine 209 with threonine.
Molecular consequence: missense variant. On other transcripts: 3 prime UTR variant (1).
Genome position (GRCh38, 1-based): chr19:40,397,727, C>T on the plus strand (G>A on the coding strand, the complement: PRX is on the minus strand). VCF-style: chr19-40397727-C-T. GRCh37 (hg19) VCF-style: chr19-40903634-C-T.
Other names: c.*830G>A (NM_020956.2); short protein forms A209T.
Identifiers: ClinVar variation 805248 (VCV000805248.11), dbSNP rs769143653, ClinGen allele CA9444412.

ClinVar aggregate classification (germline): Uncertain significance. Review status: criteria provided, multiple submitters, no conflicts (2 of 4 stars). 4 submissions from 4 submitters: Uncertain significance (4). Last evaluated 2025-09-10.

Conditions:
PRX-related disorder. Also called: PRX-related condition; PRX-Related Disorders.
Charcot-Marie-Tooth disease type 4. Also called: Charcot-Marie-Tooth, Type 4; Charcot-Marie-Tooth disease, type IV. Identifiers: Orphanet 64749, MedGen C4082197, MONDO:0018995.
Inborn genetic diseases. Identifiers: MedGen C0950123, MeSH D030342.

Allele frequency attached by ClinVar (database versions not stated): gnomAD 0.00004 and 0.00005; gnomAD exomes 0.00004; TOPMed 0.00005; ExAC 0.00006; 1000 Genomes Project 30x 0.00031.
gnomAD v4.1: 35 of 1,560,006 alleles (0.0022%); highest among the groups gnomAD compares: African/African-American, 0.0094%; no homozygotes.

Submissions (4):

Ambry Genetics
Classification: Uncertain significance for Inborn genetic diseases. Last evaluated: 2025-09-10. Review status: criteria provided, single submitter. Criteria: Ambry Variant Classification Scheme 2023. Collection method: clinical testing. Allele origin: germline.

PreventionGenetics, part of Exact Sciences
Classification: Uncertain significance for PRX-related condition. Last evaluated: 2025-06-26. Review status: criteria provided, single submitter. Criteria: ACMG Guidelines, 2015. Collection method: clinical testing. Allele origin: germline.
Comment: The PRX c.625G>A variant is predicted to result in the amino acid substitution p.Ala209Thr. To our knowledge, this variant has not been reported in the literature. This variant is reported in 0.014% of alleles in individuals of East Asian descent in gnomAD. At this time, the clinical significance of this variant is uncertain due to the absence of conclusive functional and genetic evidence.

Labcorp Genetics (formerly Invitae), Labcorp
Classification: Uncertain significance for Charcot-Marie-Tooth disease type 4. Last evaluated: 2021-08-28. Review status: criteria provided, single submitter. Criteria: Invitae Variant Classification Sherloc (09022015). Collection method: clinical testing. Allele origin: germline.
Comment: This sequence change replaces alanine with threonine at codon 209 of the PRX protein (p.Ala209Thr). The alanine residue is highly conserved and there is a small physicochemical difference between alanine and threonine. This variant is present in population databases (rs769143653, ExAC 0.01%). This variant has not been reported in the literature in individuals affected with PRX-related conditions. ClinVar contains an entry for this variant (Variation ID: 805248). Algorithms developed to predict the effect of missense changes on protein structure and function are either unavailable or do not agree on the potential impact of this missense change (SIFT: "Deleterious"; PolyPhen-2: "Possibly Damaging"; Align-GVGD: "Class C0"). In summary, the available evidence is currently insufficient to determine the role of this variant in disease. Therefore, it has been classified as a Variant of Uncertain Significance.

Athena Diagnostics
Classification: Uncertain significance. Last evaluated: 2019-07-16. Review status: criteria provided, single submitter. Criteria: Athena Diagnostics Criteria. Collection method: clinical testing. Allele origin: germline.